The following is an entry in ClinVar:

NM_000492.4(CFTR):c.2426C>A (p.Ser809Ter)

Gene: CFTR (CF transmembrane conductance regulator; plus strand). Cytogenetic location: 7q31.2.
Variant type: single nucleotide variant.
Coding change: c.2426C>A on transcript NM_000492.4 (MANE Select); coding-DNA position 2426, C replaced by A.
Protein change: p.Ser809Ter; replaces serine 809 with a stop codon.
Molecular consequence: nonsense.
Genome position (GRCh38, 1-based): chr7:117,592,593, C>A. VCF-style: chr7-117592593-C-A. GRCh37 (hg19) VCF-style: chr7-117232647-C-A.
Other names: short protein forms S809*.
Identifiers: ClinVar variation 983581 (VCV000983581.3), dbSNP rs1457971953, ClinGen allele CA368981237.
Genomic context (GRCh38, chr7:117,592,593, plus strand): 5'-CATCCACACGAAAAGTGTCACTGGCCCCTCAGGCAAACTTGACTGAACTGGATATATATT[C>A]AAGAAGGTTATCTCAAGAAACTGGCTTGGAAATAAGTGAAGAAATTAACGAAGAAGACTT-3'

ClinVar aggregate classification (germline): Likely pathogenic (1 of 4 stars; one submission).

Conditions:
Cystic fibrosis (CF). Also called: MUCOVISCIDOSIS. Identifiers: Orphanet 586, MedGen C0010674, MONDO:0009061, OMIM 219700. Disease mechanism: loss of function.

Allele frequency attached by ClinVar (database versions not stated): gnomAD exomes below 0.00001.
gnomAD v4.1: 1 of 1,523,638 alleles (0.000066%); highest among the groups gnomAD compares: South Asian, 0.0014%; no homozygotes.

Submission:

Myriad Genetics, Inc.
Classification: Likely pathogenic for Cystic fibrosis. Last evaluated: 2019-06-23. Review status: criteria provided, single submitter. Criteria: Myriad Women's Health Autosomal Recessive and X-Linked Classification Criteria (2019). Collection method: clinical testing. Allele origin: unknown.
Comment: NM_000492.3(CFTR):c.2426C>A(S809*) is expected to be pathogenic in the context of cystic fibrosis. This variant is predicted to lead to an abnormal or absent protein product due to the creation of a premature termination codon in CFTR, a gene where loss-of-function variants are known to be pathogenic. Please note: this variant was assessed in the context of healthy population screening.